The following is an entry in ClinVar:

NM_018670.4(MESP1):c.271del (p.Glu91fs)

Genes: MESP1 (mesoderm posterior bHLH transcription factor 1; minus strand), LOC130057889 (ATAC-STARR-seq lymphoblastoid silent region 6804; plus strand). Cytogenetic location: 15q26.1.
Variant type: Deletion.
Coding change: c.271del on transcript NM_018670.4 (MANE Select); coding-DNA position 271, one base deleted (G; older notation c.271delG).
Protein change: p.Glu91fs; shifts the reading frame from glutamic acid 91.
Molecular consequence: frameshift variant.
Genome position (GRCh38, 1-based): chr15:89,750,961, C deleted on the plus strand (G on the coding strand, the reverse complement: MESP1 is on the minus strand); the first of 3 consecutive C bases (chr15:89,750,961-89,750,963); deleting any one gives the same sequence. VCF-style (leftmost placement, unchanged base first): chr15-89750960-TC-T. GRCh37 (hg19) VCF-style: chr15-90294191-TC-T.
Other names: short protein forms E91fs.
Identifiers: ClinVar variation 1361067 (VCV001361067.6), dbSNP rs1299937875, ClinGen allele CA716939397.

ClinVar aggregate classification (germline): Uncertain significance (1 of 4 stars; one submission).

Submission:

Labcorp Genetics (formerly Invitae), Labcorp
Classification: Uncertain significance. Last evaluated: 2021-11-11. Review status: criteria provided, single submitter. Criteria: Invitae Variant Classification Sherloc (09022015). Collection method: clinical testing. Allele origin: germline.
Comment: This sequence change creates a premature translational stop signal (p.Glu91Argfs*30) in the MESP1 gene. It is expected to result in an absent or disrupted protein product. However, the current clinical and genetic evidence is not sufficient to establish whether loss-of-function variants in MESP1 cause disease. This variant is not present in population databases (gnomAD no frequency). This variant has not been reported in the literature in individuals affected with MESP1-related conditions. In summary, the available evidence is currently insufficient to determine the role of this variant in disease. Therefore, it has been classified as a Variant of Uncertain Significance.